The following is an entry in ClinVar:

ClinVar aggregate classification (germline): Pathogenic (1 of 4 stars; one submission).

Conditions:
CEP290-related ciliopathy. Also called: CEP290 ciliopathy. Identifiers: MedGen CN305601, MONDO:0100451.

Submission:

Myriad Genetics, Inc.
Classification: Pathogenic for CEP290-related ciliopathy. Last evaluated: 2024-07-17. Review status: criteria provided, single submitter. Criteria: Myriad Autosomal Dominant, Autosomal Recessive and X-Linked Classification Criteria (2023). Collection method: clinical testing. Allele origin: unknown.
Comment: NM_025114.3(CEP290):c.6511G>T(E2171*) is expected to be pathogenic in the context of CEP290-related disorders. This variant is predicted to lead to an abnormal or absent protein product due to the creation of a premature termination codon in CEP290, a gene where loss-of-function variants are known to be pathogenic. Please note: this variant was assessed in the context of healthy population screening.

NM_025114.4(CEP290):c.6511G>T (p.Glu2171Ter)

Gene: CEP290 (centrosomal protein 290; minus strand). Cytogenetic location: 12q21.32.
Variant type: single nucleotide variant.
Coding change: c.6511G>T on transcript NM_025114.4 (MANE Select); coding-DNA position 6511, G replaced by T.
Protein change: p.Glu2171Ter; replaces glutamic acid 2171 with a stop codon.
Molecular consequence: nonsense.
Genome position (GRCh38, 1-based): chr12:88,060,841, C>A on the plus strand (G>T on the coding strand, the complement: CEP290 is on the minus strand). VCF-style: chr12-88060841-C-A. GRCh37 (hg19) VCF-style: chr12-88454618-C-A.
Other names: short protein forms E2171*.
Identifiers: ClinVar variation 5013317 (VCV005013317.1).